The following is an entry in ClinVar:

ClinVar aggregate classification (germline): Uncertain significance (1 of 4 stars; one submission).

Allele frequency attached by ClinVar (database versions not stated): gnomAD exomes below 0.00001; ExAC 0.00001; gnomAD 0.00001; TOPMed 0.00001.
gnomAD v4.1: 2 of 1,613,154 alleles (0.00012%); highest among the groups gnomAD compares: African/African-American, 0.0027%; no homozygotes.

Submission:

Labcorp Genetics (formerly Invitae), Labcorp
Classification: Uncertain significance. Last evaluated: 2024-01-05. Review status: criteria provided, single submitter. Criteria: Invitae Variant Classification Sherloc (09022015). Collection method: clinical testing. Allele origin: germline.
Comment: This sequence change replaces isoleucine, which is neutral and non-polar, with valine, which is neutral and non-polar, at codon 848 of the IGF1R protein (p.Ile848Val). This variant is present in population databases (rs777782407, gnomAD 0.007%). This variant has not been reported in the literature in individuals affected with IGF1R-related conditions. Advanced modeling of protein sequence and biophysical properties (such as structural, functional, and spatial information, amino acid conservation, physicochemical variation, residue mobility, and thermodynamic stability) performed at Invitae indicates that this missense variant is not expected to disrupt IGF1R protein function with a negative predictive value of 80%. In summary, the available evidence is currently insufficient to determine the role of this variant in disease. Therefore, it has been classified as a Variant of Uncertain Significance.

NM_000875.5(IGF1R):c.2542A>G (p.Ile848Val)

Gene: IGF1R (insulin like growth factor 1 receptor; plus strand). Cytogenetic location: 15q26.3.
Variant type: single nucleotide variant.
Coding change: c.2542A>G on transcript NM_000875.5 (MANE Select); coding-DNA position 2542, A replaced by G.
Protein change: p.Ile848Val; replaces isoleucine 848 with valine.
Molecular consequence: missense variant.
Genome position (GRCh38, 1-based): chr15:98,923,932, A>G. VCF-style: chr15-98923932-A-G. GRCh37 (hg19) VCF-style: chr15-99467161-A-G.
Other names: c.2542A>G, p.Ile848Val (NM_001291858.2); short protein forms I848V.
Identifiers: ClinVar variation 2968971 (VCV002968971.3), dbSNP rs777782407, ClinGen allele CA7752427.
Genomic context (GRCh38, chr15:98,923,932, plus strand): 5'-ACAGAAGGAGCAGATGACATTCCTGGGCCAGTGACCTGGGAGCCAAGGCCTGAAAACTCC[A>G]TCTTTTTAAAGTGGCCGGAACCTGAGAATCCCAATGGATTGATTCTAATGTATGAAATAA-3'
Protein context (NP_000866.1, residues 838-858): VTWEPRPENS[Ile848Val]FLKWPEPENP